The following is an entry in ClinVar:

NM_007078.3(LDB3):c.89C>A (p.Ser30Tyr)

Gene: LDB3 (LIM domain binding 3; plus strand). Cytogenetic location: 10q23.2.
Variant type: single nucleotide variant.
Coding change: c.89C>A on transcript NM_007078.3 (MANE Select); coding-DNA position 89, C replaced by A.
Protein change: p.Ser30Tyr; replaces serine 30 with tyrosine.
Molecular consequence: missense variant.
Genome position (GRCh38, 1-based): chr10:86,668,780, C>A. VCF-style: chr10-86668780-C-A. GRCh37 (hg19) VCF-style: chr10-88428537-C-A.
Other names: c.89C>A, p.Ser30Tyr (NM_001080116.1, NM_001080114.2, NM_001080115.2 and 8 more transcripts); short protein forms S30Y.
Identifiers: ClinVar variation 934126 (VCV000934126.10), dbSNP rs1844293917, ClinGen allele CA377448842.

ClinVar aggregate classification (germline): Uncertain significance (1 of 4 stars; one submission).

Conditions:
Myofibrillar myopathy 4. Also called: Zaspopathy (type). Identifiers: Orphanet 98912, MedGen C4721886, MONDO:0012277, OMIM 609452.

Submission:

Labcorp Genetics (formerly Invitae), Labcorp
Classification: Uncertain significance for Myofibrillar myopathy 4. Last evaluated: 2024-06-03. Review status: criteria provided, single submitter. Criteria: Invitae Variant Classification Sherloc (09022015). Collection method: clinical testing. Allele origin: germline.
Comment: This sequence change replaces serine, which is neutral and polar, with tyrosine, which is neutral and polar, at codon 30 of the LDB3 protein (p.Ser30Tyr). This variant is not present in population databases (gnomAD no frequency). This variant has not been reported in the literature in individuals affected with LDB3-related conditions. ClinVar contains an entry for this variant (Variation ID: 934126). An algorithm developed to predict the effect of missense changes on protein structure and function (PolyPhen-2) suggests that this variant is likely to be disruptive. In summary, the available evidence is currently insufficient to determine the role of this variant in disease. Therefore, it has been classified as a Variant of Uncertain Significance.